The following is an entry in ClinVar:

NM_001519.4(BRF1):c.940C>A (p.Leu314Met)

Gene: BRF1 (BRF1 general transcription factor IIIB subunit; minus strand). Cytogenetic location: 14q32.33.
Variant type: single nucleotide variant.
Coding change: c.940C>A on transcript NM_001519.4 (MANE Select); coding-DNA position 940, C replaced by A.
Protein change: p.Leu314Met; replaces leucine 314 with methionine.
Molecular consequence: missense variant.
Genome position (GRCh38, 1-based): chr14:105,226,266, G>T on the plus strand (C>A on the coding strand, the complement: BRF1 is on the minus strand). VCF-style: chr14-105226266-G-T. GRCh37 (hg19) VCF-style: chr14-105692603-G-T.
Other names: c.595C>A, p.Leu199Met (NM_001242786.2, NM_001242787.2); c.859C>A, p.Leu287Met (NM_001242788.2); c.226C>A, p.Leu76Met (NM_001242789.2); c.328C>A, p.Leu110Met (NM_145685.3); short protein forms L110M, L199M, L287M, L314M, L76M.
Identifiers: ClinVar variation 1312098 (VCV001312098.3), dbSNP rs2141558074, ClinGen allele CA391198849.

ClinVar aggregate classification (germline): Uncertain significance (1 of 4 stars; one submission).

gnomAD v4.1: 3 of 1,614,044 alleles (0.00019%); no homozygotes.

Submission:

GeneDx
Classification: Uncertain significance. Last evaluated: 2024-08-18. Review status: criteria provided, single submitter. Criteria: GeneDx Variant Classification Process June 2021. Collection method: clinical testing. Allele origin: germline. Affected: yes.
Comment: Not observed at significant frequency in large population cohorts (gnomAD); In silico analysis indicates that this missense variant does not alter protein structure/function; Has not been previously published as pathogenic or benign to our knowledge